The following is an entry in ClinVar:

ClinVar aggregate classification (germline): Uncertain significance (1 of 4 stars; one submission).

gnomAD v4.1: 2 of 1,608,674 alleles (0.00012%); highest among the groups gnomAD compares: Non-Finnish European, 0.00017%; no homozygotes.

Submission:

Labcorp Genetics (formerly Invitae), Labcorp
Classification: Uncertain significance. Last evaluated: 2024-03-26. Review status: criteria provided, single submitter. Criteria: Invitae Variant Classification Sherloc (09022015). Collection method: clinical testing. Allele origin: germline.
Comment: This sequence change falls in intron 19 of the FRAS1 gene. It does not directly change the encoded amino acid sequence of the FRAS1 protein. This variant is not present in population databases (gnomAD no frequency). This variant has not been reported in the literature in individuals affected with FRAS1-related conditions. Algorithms developed to predict the effect of sequence changes on RNA splicing suggest that this variant may disrupt the consensus splice site. In summary, the available evidence is currently insufficient to determine the role of this variant in disease. Therefore, it has been classified as a Variant of Uncertain Significance.

NM_025074.7(FRAS1):c.2279-11C>G

Gene: FRAS1 (Fraser extracellular matrix complex subunit 1; plus strand). Cytogenetic location: 4q21.21.
Variant type: single nucleotide variant.
Coding change: c.2279-11C>G on transcript NM_025074.7 (MANE Select); 11 bases into the intron before coding-DNA position 2279, C replaced by G.
Molecular consequence: intron variant.
Genome position (GRCh38, 1-based): chr4:78,337,663, C>G. VCF-style: chr4-78337663-C-G. GRCh37 (hg19) VCF-style: chr4-79258817-C-G.
Other names: c.2279-11C>G (NM_001166133.2).
Identifiers: ClinVar variation 3645710 (VCV003645710.2).